The following is an entry in ClinVar:

ClinVar aggregate classification (germline): Uncertain significance (1 of 4 stars; one submission).

Conditions:
Predisposition to invasive fungal disease due to CARD9 deficiency (IMD103). Also called: Candidiasis, familial, 2, autosomal recessive; IMMUNODEFICIENCY 103, SUSCEPTIBILITY TO FUNGAL INFECTIONS; CARD9 IMMUNODEFICIENCY. Identifiers: Orphanet 457088, MedGen C1859353, MONDO:0008905, OMIM 212050.

Submission:

Labcorp Genetics (formerly Invitae), Labcorp
Classification: Uncertain significance for Predisposition to invasive fungal disease due to CARD9 deficiency. Last evaluated: 2018-12-14. Review status: criteria provided, single submitter. Criteria: Invitae Variant Classification Sherloc (09022015). Collection method: clinical testing. Allele origin: germline.
Comment: This sequence change replaces serine with asparagine at codon 152 of the CARD9 protein (p.Ser152Asn). The serine residue is highly conserved and there is a small physicochemical difference between serine and asparagine. This variant is not present in population databases (ExAC no frequency). This variant has not been reported in the literature in individuals with CARD9-related conditions. Algorithms developed to predict the effect of missense changes on protein structure and function (SIFT, PolyPhen-2, Align-GVGD) all suggest that this variant is likely to be tolerated, but these predictions have not been confirmed by published functional studies and their clinical significance is uncertain. In summary, the available evidence is currently insufficient to determine the role of this variant in disease. Therefore, it has been classified as a Variant of Uncertain Significance.

NM_052813.5(CARD9):c.455G>A (p.Ser152Asn)

Gene: CARD9 (caspase recruitment domain family member 9; minus strand). Cytogenetic location: 9q34.3.
Variant type: single nucleotide variant.
Coding change: c.455G>A on transcript NM_052813.5 (MANE Select); coding-DNA position 455, G replaced by A.
Protein change: p.Ser152Asn; replaces serine 152 with asparagine.
Molecular consequence: missense variant.
Genome position (GRCh38, 1-based): chr9:136,371,013, C>T on the plus strand (G>A on the coding strand, the complement: CARD9 is on the minus strand). VCF-style: chr9-136371013-C-T. GRCh37 (hg19) VCF-style: chr9-139265465-C-T.
Other names: c.455G>A, p.Ser152Asn (NM_052814.4); short protein forms S152N.
Identifiers: ClinVar variation 653957 (VCV000653957.9), dbSNP rs539919395, ClinGen allele CA201614758.